The following is an entry in ClinVar:

NM_000235.4(LIPA):c.539-6T>C

Gene: LIPA (lipase A, lysosomal acid type; minus strand). Cytogenetic location: 10q23.31.
Variant type: single nucleotide variant.
Coding change: c.539-6T>C on transcript NM_000235.4 (MANE Select); 6 bases into the intron before coding-DNA position 539, T replaced by C.
Molecular consequence: intron variant.
Genome position (GRCh38, 1-based): chr10:89,225,234, A>G on the plus strand (T>C on the coding strand, the complement: LIPA is on the minus strand). VCF-style: chr10-89225234-A-G. GRCh37 (hg19) VCF-style: chr10-90984991-A-G.
Other names: c.191-6T>C (NM_001288979.2); c.539-6T>C (NM_001127605.3).
Identifiers: ClinVar variation 301581 (VCV000301581.17), dbSNP rs201898154, ClinGen allele CA5593687.

ClinVar aggregate classification (germline): Benign/Likely benign. Review status: criteria provided, multiple submitters, no conflicts (2 of 4 stars). 4 submissions from 4 submitters: Benign (1); Likely benign (1). 2 of the submissions do not count toward it. Last evaluated 2019-12-31.

Conditions:
Lysosomal acid lipase deficiency. Also called: Acid cholesteryl ester hydrolase deficiency, type 2. Identifiers: Orphanet 275761, MedGen C5574740, MONDO:0800449, MONDO:0010204.
LIPA-related disorder. Also called: LIPA-related condition; LIPA-related disorders.

Allele frequency attached by ClinVar (database versions not stated): gnomAD 0.00009 and 0.00011; gnomAD exomes 0.00010 and 0.00037; TOPMed 0.00015; 1000 Genomes Project 0.00020; ExAC 0.00039; 1000 Genomes Project 30x 0.00062.
gnomAD v4.1: 165 of 1,614,128 alleles (0.01%); highest among the groups gnomAD compares: East Asian, 0.36%; 2 homozygotes.

Submissions (4):

Labcorp Genetics (formerly Invitae), Labcorp
Classification: Benign for Lysosomal acid lipase deficiency. Last evaluated: 2019-12-31. Review status: criteria provided, single submitter. Criteria: Invitae Variant Classification Sherloc (09022015). Collection method: clinical testing. Allele origin: germline.

Eurofins Ntd Llc (ga)
Classification: Likely benign. Last evaluated: 2018-06-05. Review status: criteria provided, single submitter. Criteria: EGL ClinVar v180209 classification definitions. Collection method: clinical testing. Allele origin: germline. Observed: 1 variant allele, 1 heterozygote.

PreventionGenetics, part of Exact Sciences
Classification: Likely benign for LIPA-related condition. Last evaluated: 2021-06-07. Review status: no assertion criteria provided. Collection method: clinical testing. Allele origin: germline. Not counted in ClinVar's aggregate classification.
Comment: This variant is classified as likely benign based on ACMG/AMP sequence variant interpretation guidelines (Richards et al. 2015 PMID: 25741868, with internal and published modifications).

Natera, Inc.
Classification: Benign for Lysosomal acid lipase deficiency. Last evaluated: 2020-09-16. Review status: no assertion criteria provided. Collection method: clinical testing. Allele origin: germline. Not counted in ClinVar's aggregate classification.